The following is an entry in ClinVar:

ClinVar aggregate classification (germline): Uncertain significance (1 of 4 stars; one submission).

Allele frequency attached by ClinVar (database versions not stated): gnomAD exomes 0.00001; ExAC 0.00002; gnomAD 0.00002 and 0.00003; TOPMed 0.00003.
gnomAD v4.1: 21 of 1,613,990 alleles (0.0013%); highest among the groups gnomAD compares: Admixed American, 0.005%; no homozygotes.

Submission:

Labcorp Genetics (formerly Invitae), Labcorp
Classification: Uncertain significance. Last evaluated: 2022-04-09. Review status: criteria provided, single submitter. Criteria: Invitae Variant Classification Sherloc (09022015). Collection method: clinical testing. Allele origin: germline.
Comment: This sequence change replaces arginine, which is basic and polar, with histidine, which is basic and polar, at codon 1579 of the FAT4 protein (p.Arg1579His). This variant is present in population databases (rs753125479, gnomAD 0.007%). This variant has not been reported in the literature in individuals affected with FAT4-related conditions. Advanced modeling of protein sequence and biophysical properties (such as structural, functional, and spatial information, amino acid conservation, physicochemical variation, residue mobility, and thermodynamic stability) performed at Invitae indicates that this missense variant is not expected to disrupt FAT4 protein function. In summary, the available evidence is currently insufficient to determine the role of this variant in disease. Therefore, it has been classified as a Variant of Uncertain Significance.

NM_001291303.3(FAT4):c.4736G>A (p.Arg1579His)

Gene: FAT4 (FAT atypical cadherin 4; plus strand). Cytogenetic location: 4q28.1.
Variant type: single nucleotide variant.
Coding change: c.4736G>A on transcript NM_001291303.3 (MANE Select); coding-DNA position 4736, G replaced by A.
Protein change: p.Arg1579His; replaces arginine 1579 with histidine.
Molecular consequence: missense variant.
Genome position (GRCh38, 1-based): chr4:125,321,147, G>A. VCF-style: chr4-125321147-G-A. GRCh37 (hg19) VCF-style: chr4-126242302-G-A.
Other names: c.4736G>A, p.Arg1579His (NM_001291285.3, NM_024582.6); short protein forms R1579H.
Identifiers: ClinVar variation 1471812 (VCV001471812.5), dbSNP rs753125479, ClinGen allele CA3072514.
Genomic context (GRCh38, chr4:125,321,147, plus strand): 5'-CTAATGGAGAAATAGAGTATGAGATCATCAATGGGGACACAGACACCTTCATTGTTGATC[G>A]TTATAGTGGAGACCTGAGAGTGGCTTCAGCGTTGGTGCCTTCACAGTTGATCTACAATCT-3'
Protein context (NP_001278232.1, residues 1569-1589): NGDTDTFIVD[Arg1579His]YSGDLRVASA